The following is an entry in ClinVar:

NM_002662.5(PLD1):c.1319G>A (p.Arg440His)

Gene: PLD1 (phospholipase D1; minus strand). Cytogenetic location: 3q26.31.
Variant type: single nucleotide variant.
Coding change: c.1319G>A on transcript NM_002662.5 (MANE Select); coding-DNA position 1319, G replaced by A.
Protein change: p.Arg440His; replaces arginine 440 with histidine.
Molecular consequence: missense variant.
Genome position (GRCh38, 1-based): chr3:171,692,351, C>T on the plus strand (G>A on the coding strand, the complement: PLD1 is on the minus strand). VCF-style: chr3-171692351-C-T. GRCh37 (hg19) VCF-style: chr3-171410141-C-T.
Other names: c.1319G>A (NM_002662.4); c.1319G>A, p.Arg440His (NM_001130081.3); short protein forms R440H.
Identifiers: ClinVar variation 1030180 (VCV001030180.5), dbSNP rs146936145, ClinGen allele CA2704657.
Genomic context (GRCh38, chr3:171,692,351, plus strand): 5'-AATAATAAAGAAACATTGGTTATCAAGATGAACCTGAATACCTTTATGTTGGGATGTAGA[C>T]GCATCAAAGTCCTCTTGGTGTATTCACTATTGATGCCAAGAGCGAGTTCCACCTCTTTGT-3'
Protein context (NP_002653.1, residues 430-450): NSEYTKRTLM[Arg440His]LHPNIKVMRH

ClinVar aggregate classification (germline): Uncertain significance. Review status: criteria provided, multiple submitters, no conflicts (2 of 4 stars). 3 submissions from 3 submitters: Uncertain significance (3). Last evaluated 2023-05-16.

Conditions:
Cardiac valvular defect, developmental (CVDP1). Also called: CARDIAC VALVULAR DYSPLASIA 1. Identifiers: MedGen C5774175, MONDO:0008913, OMIM 212093.
Inborn genetic diseases. Identifiers: MedGen C0950123, MeSH D030342.

Allele frequency attached by ClinVar (database versions not stated): gnomAD 0.00008 and 0.00007; TOPMed 0.00009; ExAC 0.00021; ESP Exome Variant Server 0.00023.
gnomAD v4.1: 127 of 1,514,418 alleles (0.0084%); highest among the groups gnomAD compares: Middle Eastern, 0.12%; no homozygotes.

Submissions (3):

Revvity Omics, Revvity
Classification: Uncertain significance for Cardiac valvular defect, developmental. Last evaluated: 2023-05-16. Review status: criteria provided, single submitter. Criteria: ACMG Guidelines, 2015. Collection method: clinical testing. Allele origin: germline.

Ambry Genetics
Classification: Uncertain significance for Inborn genetic diseases. Last evaluated: 2023-01-26. Review status: criteria provided, single submitter. Criteria: Ambry Variant Classification Scheme 2023. Collection method: clinical testing. Allele origin: germline.

Baylor Genetics
Classification: Uncertain significance for Cardiac valvular defect, developmental. Last evaluated: 2019-11-07. Review status: criteria provided, single submitter. Criteria: ACMG Guidelines, 2015. Collection method: clinical testing. Allele origin: unknown. Affected: yes.
Comment: This variant was determined to be of uncertain significance according to ACMG Guidelines, 2015 [PMID:25741868].